The following is an entry in ClinVar:

ClinVar aggregate classification (germline): Pathogenic (1 of 4 stars; one submission).

Allele frequency attached by ClinVar (database versions not stated): gnomAD exomes below 0.00001.
gnomAD v4.1: 1 of 1,613,824 alleles (0.000062%); highest among the groups gnomAD compares: Non-Finnish European, 0.000085%; no homozygotes.

Submission:

Labcorp Genetics (formerly Invitae), Labcorp
Classification: Pathogenic. Last evaluated: 2023-05-31. Review status: criteria provided, single submitter. Criteria: Invitae Variant Classification Sherloc (09022015). Collection method: clinical testing. Allele origin: germline.
Comment: Algorithms developed to predict the effect of sequence changes on RNA splicing suggest that this variant may disrupt the consensus splice site. ClinVar contains an entry for this variant (Variation ID: 1459956). Disruption of this splice site has been observed in individuals with autosomal recessive diffuse or paternally inherited focal hyperinsulinism (PMID: 24401662). This variant is not present in population databases (gnomAD no frequency). This sequence change affects an acceptor splice site in intron 19 of the ABCC8 gene. It is expected to disrupt RNA splicing. Variants that disrupt the donor or acceptor splice site typically lead to a loss of protein function (PMID: 16199547), and loss-of-function variants in ABCC8 are known to be pathogenic (PMID: 20685672, 23345197). For these reasons, this variant has been classified as Pathogenic.

Literature cited by the submitters: PubMed 24401662; PubMed 16199547; PubMed 20685672; PubMed 23345197.

NM_000352.6(ABCC8):c.2391-1G>A

Genes: ABCC8 (ATP binding cassette subfamily C member 8; minus strand), LOC110121471 (VISTA enhancer hs1977; plus strand). Cytogenetic location: 11p15.1.
Variant type: single nucleotide variant.
Coding change: c.2391-1G>A on transcript NM_000352.6 (MANE Select); the canonical splice acceptor site of the intron before coding-DNA position 2391, G replaced by A.
Molecular consequence: splice acceptor variant.
Genome position (GRCh38, 1-based): chr11:17,413,479, C>T on the plus strand (G>A on the coding strand, the complement: ABCC8 is on the minus strand). VCF-style: chr11-17413479-C-T. GRCh37 (hg19) VCF-style: chr11-17435026-C-T.
Other names: c.2388-1G>A (NM_001351297.2); c.2391-1G>A (NM_001351296.2); c.2457-1G>A (NM_001351295.2); c.2394-1G>A (NM_001287174.3).
Identifiers: ClinVar variation 1459956 (VCV001459956.6), dbSNP rs2133473953, ClinGen allele CA379808830.